The following is an entry in ClinVar:

NM_001195263.2(PDZD7):c.1842G>A (p.Arg614=)

Gene: PDZD7 (PDZ domain containing 7; minus strand). Cytogenetic location: 10q24.31.
Variant type: single nucleotide variant.
Coding change: c.1842G>A on transcript NM_001195263.2 (MANE Select); coding-DNA position 1842, G replaced by A.
Protein change: p.Arg614=; no amino-acid change (arginine 614 retained).
Molecular consequence: synonymous variant.
Genome position (GRCh38, 1-based): chr10:101,012,016, C>T on the plus strand (G>A on the coding strand, the complement: PDZD7 is on the minus strand). VCF-style: chr10-101012016-C-T. GRCh37 (hg19) VCF-style: chr10-102771773-C-T.
Identifiers: ClinVar variation 2098107 (VCV002098107.4), dbSNP rs2492793279, ClinGen allele CA471187313.
Genomic context (GRCh38, chr10:101,012,016, plus strand): 5'-CAGCTCCACAAGCATCACCATGCTGTCGAAGCGGCCCAGGTCTGTGGGGGCCACCACACT[C>T]CTGGGAGAGGGCGAGAGACAGCAGGGGTGGGAGGGGCAGGCAGGATTTCAGTTCCGGAGG-3'
Protein context (NP_001182192.1, residues 604-624): PEKLLLLQDI[Arg614=]SVVAPTDLGR

ClinVar aggregate classification (germline): Uncertain significance (1 of 4 stars; one submission).

Allele frequency attached by ClinVar (database versions not stated): gnomAD exomes below 0.00001.
gnomAD v4.1: 3 of 1,550,032 alleles (0.00019%); highest among the groups gnomAD compares: South Asian, 0.0024%; no homozygotes.

Submission:

Labcorp Genetics (formerly Invitae), Labcorp
Classification: Uncertain significance. Last evaluated: 2022-05-24. Review status: criteria provided, single submitter. Criteria: Invitae Variant Classification Sherloc (09022015). Collection method: clinical testing. Allele origin: germline.
Comment: This variant has not been reported in the literature in individuals affected with PDZD7-related conditions. This variant is not present in population databases (gnomAD no frequency). This sequence change affects codon 614 of the PDZD7 mRNA. It is a 'silent' change, meaning that it does not change the encoded amino acid sequence of the PDZD7 protein. It affects a nucleotide within the consensus splice site. Algorithms developed to predict the effect of sequence changes on RNA splicing suggest that this variant may create or strengthen a splice site. In summary, the available evidence is currently insufficient to determine the role of this variant in disease. Therefore, it has been classified as a Variant of Uncertain Significance.